The following is an entry in ClinVar:

ClinVar aggregate classification (germline): Uncertain significance (1 of 4 stars; one submission).

Conditions:
Tuberous sclerosis 2 (TSC2). Identifiers: Orphanet 805, MedGen C1860707, MONDO:0013199, OMIM 613254.

Submission:

Labcorp Genetics (formerly Invitae), Labcorp
Classification: Uncertain significance for Tuberous sclerosis 2. Last evaluated: 2025-03-20. Review status: criteria provided, single submitter. Criteria: Invitae Variant Classification Sherloc (09022015). Collection method: clinical testing. Allele origin: germline.
Comment: This sequence change replaces threonine, which is neutral and polar, with arginine, which is basic and polar, at codon 1330 of the TSC2 protein (p.Thr1330Arg). This variant is not present in population databases (gnomAD no frequency). This variant has not been reported in the literature in individuals affected with TSC2-related conditions. ClinVar contains an entry for this variant (Variation ID: 853272). Invitae Evidence Modeling of protein sequence and biophysical properties (such as structural, functional, and spatial information, amino acid conservation, physicochemical variation, residue mobility, and thermodynamic stability) indicates that this missense variant is not expected to disrupt TSC2 protein function with a negative predictive value of 95%. In summary, the available evidence is currently insufficient to determine the role of this variant in disease. Therefore, it has been classified as a Variant of Uncertain Significance.

NM_000548.5(TSC2):c.3989C>G (p.Thr1330Arg)

Gene: TSC2 (TSC complex subunit 2; plus strand). Cytogenetic location: 16p13.3.
Variant type: single nucleotide variant.
Coding change: c.3989C>G on transcript NM_000548.5 (MANE Select); coding-DNA position 3989, C replaced by G.
Protein change: p.Thr1330Arg; replaces threonine 1330 with arginine.
Molecular consequence: missense variant.
Genome position (GRCh38, 1-based): chr16:2,083,800, C>G. VCF-style: chr16-2083800-C-G. GRCh37 (hg19) VCF-style: chr16-2133801-C-G.
Other names: c.3788C>G, p.Thr1263Arg (NM_001077183.3); c.3920C>G, p.Thr1307Arg (NM_001114382.3); c.3680C>G, p.Thr1227Arg (NM_001318827.2); c.3644C>G, p.Thr1215Arg (NM_001318829.2); c.3257C>G, p.Thr1086Arg (NM_001318831.2); c.3821C>G, p.Thr1274Arg (NM_001318832.2); c.3791C>G, p.Thr1264Arg (NM_001363528.2); c.3857C>G, p.Thr1286Arg (NM_001370404.1); and 1 more; short protein forms T1215R, T1086R, T1330R, T1263R, T1264R, T1286R, T1287R, T1307R.
Identifiers: ClinVar variation 853272 (VCV000853272.9), dbSNP rs397515209, ClinGen allele CA394297712.